The following is an entry in ClinVar:

ClinVar aggregate classification (germline): Uncertain significance (1 of 4 stars; one submission).

Conditions:
RPS6KA3-related disorder. Also called: RPS6KA3-related condition.

Submission:

PreventionGenetics, part of Exact Sciences
Classification: Uncertain significance for RPS6KA3-related condition. Last evaluated: 2026-05-03. Review status: criteria provided, single submitter. Criteria: ACMG Guidelines, 2015. Collection method: clinical testing. Allele origin: germline.
Comment: The RPS6KA3 c.492G>A variant is predicted to result in the amino acid substitution p.Met164Ile. To our knowledge, this variant has not been reported in the literature or in a large population database (gnomAD), indicating this variant is rare. At this time, the clinical significance of this variant is uncertain due to the absence of conclusive functional and genetic evidence.

NM_004586.3(RPS6KA3):c.492G>A (p.Met164Ile)

Gene: RPS6KA3 (ribosomal protein S6 kinase A3; minus strand). Cytogenetic location: Xp22.12.
Variant type: single nucleotide variant.
Coding change: c.492G>A on transcript NM_004586.3 (MANE Select); coding-DNA position 492, G replaced by A.
Protein change: p.Met164Ile; replaces methionine 164 with isoleucine.
Molecular consequence: missense variant.
Genome position (GRCh38, 1-based): chrX:20,193,588, C>T on the plus strand (G>A on the coding strand, the complement: RPS6KA3 is on the minus strand). VCF-style: chrX-20193588-C-T. GRCh37 (hg19) VCF-style: chrX-20211706-C-T.
Other names: c.408G>A, p.Met136Ile (NM_001438340.1); short protein forms M136I, M164I.
Identifiers: ClinVar variation 4995877 (VCV004995877.1).